The following is an entry in ClinVar:

ClinVar aggregate classification (germline): Likely benign. Review status: criteria provided, multiple submitters, no conflicts (2 of 4 stars). 2 submissions from 2 submitters: Likely benign (2). Last evaluated 2026-01-28.

Allele frequency attached by ClinVar (database versions not stated): gnomAD exomes 0.00010; ExAC 0.00039; gnomAD 0.00047; ESP Exome Variant Server 0.00118; 1000 Genomes Project 0.00140.
gnomAD v4.1: 220 of 1,553,082 alleles (0.014%); highest among the groups gnomAD compares: African/African-American, 0.17%; no homozygotes.

Submissions (2):

Labcorp Genetics (formerly Invitae), Labcorp
Classification: Likely benign. Last evaluated: 2026-01-28. Review status: criteria provided, single submitter. Criteria: Invitae Variant Classification Sherloc (09022015). Collection method: clinical testing. Allele origin: germline.

CeGaT Center for Human Genetics Tuebingen
Classification: Likely benign. Last evaluated: 2025-09-01. Review status: criteria provided, single submitter. Criteria: CeGaT Center For Human Genetics Tuebingen Variant Classification Criteria Version 2. Collection method: clinical testing. Allele origin: germline. Affected: yes. Observed: 1 variant allele.
Comment: BRD4: BP4, BS1

NM_001379291.1(BRD4):c.3067C>T (p.Pro1023Ser)

Gene: BRD4 (bromodomain containing 4; minus strand). Cytogenetic location: 19p13.12.
Variant type: single nucleotide variant.
Coding change: c.3067C>T on transcript NM_001379291.1 (MANE Select); coding-DNA position 3067, C replaced by T.
Protein change: p.Pro1023Ser; replaces proline 1023 with serine.
Molecular consequence: missense variant.
Genome position (GRCh38, 1-based): chr19:15,243,002, G>A on the plus strand (C>T on the coding strand, the complement: BRD4 is on the minus strand). VCF-style: chr19-15243002-G-A. GRCh37 (hg19) VCF-style: chr19-15353813-G-A.
Other names: c.3067C>T, p.Pro1023Ser (NM_058243.3); short protein forms P1023S.
Identifiers: ClinVar variation 2182054 (VCV002182054.12), dbSNP rs201318919, ClinGen allele CA9264814.
Genomic context (GRCh38, chr19:15,243,002, plus strand): 5'-GGTGCTGGATGACTTGCTGAGGCTTGGCAGGCTGCGGCGGGGGTGGCTGCTGGCCTGGGG[G>A]CGGATGGGGGGGCTGCTGGCCCTGGGGTGGCGGGGGCTGTTGGATGTGGGTGGAAAACTG-3'
Protein context (NP_001366220.1, residues 1013-1033): PPQGQQPPHP[Pro1023Ser]PGQQPPPPQP